The following is an entry in ClinVar:

NM_001206927.2(DNAH8):c.7362del (p.Ser2455fs)

Gene: DNAH8 (dynein axonemal heavy chain 8; plus strand). Cytogenetic location: 6p21.2.
Variant type: Deletion.
Coding change: c.7362del on transcript NM_001206927.2 (MANE Select); coding-DNA position 7362, one base deleted (T; older notation c.7362delT).
Protein change: p.Ser2455fs; shifts the reading frame from serine 2455.
Molecular consequence: frameshift variant.
Genome position (GRCh38, 1-based): chr6:38,873,030, T deleted. VCF-style (leftmost placement, unchanged base first): chr6-38873029-CT-C. GRCh37 (hg19) VCF-style: chr6-38840805-CT-C.
Other names: c.6711del, p.Ser2238fs (NM_001371.4); short protein forms S2238fs, S2455fs.
Identifiers: ClinVar variation 1941964 (VCV001941964.5), dbSNP rs769126261, ClinGen allele CA3789902.

ClinVar aggregate classification (germline): Pathogenic (1 of 4 stars; one submission).

Conditions:
Primary ciliary dyskinesia. Also called: Ciliary dyskinesia. Identifiers: Orphanet 244, MedGen C0008780, MONDO:0016575, HP:0012265.

Allele frequency attached by ClinVar (database versions not stated): gnomAD exomes below 0.00001; TOPMed 0.00005; ExAC 0.00002; gnomAD 0.00003.

Submission:

Labcorp Genetics (formerly Invitae), Labcorp
Classification: Pathogenic for Primary ciliary dyskinesia. Last evaluated: 2022-09-01. Review status: criteria provided, single submitter. Criteria: Invitae Variant Classification Sherloc (09022015). Collection method: clinical testing. Allele origin: germline.
Comment: For these reasons, this variant has been classified as Pathogenic. Algorithms developed to predict the effect of sequence changes on RNA splicing suggest that this variant may create or strengthen a splice site. This variant has not been reported in the literature in individuals affected with DNAH8-related conditions. This variant is present in population databases (rs769126261, gnomAD 0.02%). This sequence change creates a premature translational stop signal (p.Ser2455Valfs*42) in the DNAH8 gene. It is expected to result in an absent or disrupted protein product. Loss-of-function variants in DNAH8 are known to be pathogenic (PMID: 24307375, 32619401, 32681648).

Literature cited by the submitters: PubMed 24307375; PubMed 32619401; PubMed 32681648.